The following is an entry in ClinVar:

ClinVar aggregate classification (germline): Uncertain significance. Review status: criteria provided, multiple submitters, no conflicts (2 of 4 stars). 3 submissions from 3 submitters: Uncertain significance (3). Last evaluated 2025-03-27.

Conditions:
Gastrointestinal stromal tumor. Also called: Gastrointestinal stromal tumor, somatic; Gastrointestinal stroma tumor. Identifiers: Orphanet 44890, MedGen C0238198, MeSH D046152, MONDO:0011719, OMIM 606764, HP:0100723.
Polyps, multiple and recurrent inflammatory fibroid, gastrointestinal. Identifiers: MedGen C5193005, MONDO:0008285, OMIM 175510.
Hereditary cancer-predisposing syndrome. Also called: Neoplastic Syndromes, Hereditary; Hereditary Cancer Syndrome; Hereditary neoplastic syndrome; Tumor predisposition. Identifiers: Orphanet 140162, MedGen C0027672, MeSH D009386, MONDO:0015356.

Submissions (3):

Ambry Genetics
Classification: Uncertain significance for Hereditary cancer-predisposing syndrome. Last evaluated: 2025-03-27. Review status: criteria provided, single submitter. Criteria: Ambry Variant Classification Scheme 2023. Collection method: clinical testing. Allele origin: germline.
Comment: The p.T181S variant (also known as c.541A>T), located in coding exon 3 of the PDGFRA gene, results from an A to T substitution at nucleotide position 541. The threonine at codon 181 is replaced by serine, an amino acid with similar properties. This amino acid position is conserved. In addition, this alteration is predicted to be tolerated by in silico analysis. Based on the available evidence, the clinical significance of this variant remains unclear.

Baylor Genetics
Classification: Uncertain significance for Polyps, multiple and recurrent inflammatory fibroid, gastrointestinal. Last evaluated: 2023-11-30. Review status: criteria provided, single submitter. Criteria: ACMG Guidelines, 2015. Collection method: clinical testing. Allele origin: unknown.

Labcorp Genetics (formerly Invitae), Labcorp
Classification: Uncertain significance for Gastrointestinal stromal tumor. Last evaluated: 2020-03-05. Review status: criteria provided, single submitter. Criteria: Invitae Variant Classification Sherloc (09022015). Collection method: clinical testing. Allele origin: germline.
Comment: This sequence change replaces threonine with serine at codon 181 of the PDGFRA protein (p.Thr181Ser). The threonine residue is weakly conserved and there is a small physicochemical difference between threonine and serine. This variant is not present in population databases (ExAC no frequency). This variant has not been reported in the literature in individuals with PDGFRA-related conditions. Algorithms developed to predict the effect of missense changes on protein structure and function output the following: SIFT: "Tolerated"; PolyPhen-2: "Benign"; Align-GVGD: "Class C0". The serine amino acid residue is found in multiple mammalian species, suggesting that this missense change does not adversely affect protein function. These predictions have not been confirmed by published functional studies and their clinical significance is uncertain. In summary, the available evidence is currently insufficient to determine the role of this variant in disease. Therefore, it has been classified as a Variant of Uncertain Significance.

NM_006206.6(PDGFRA):c.541A>T (p.Thr181Ser)

Gene: PDGFRA (platelet derived growth factor receptor alpha; plus strand). Cytogenetic location: 4q12.
Variant type: single nucleotide variant.
Coding change: c.541A>T on transcript NM_006206.6 (MANE Select); coding-DNA position 541, A replaced by T.
Protein change: p.Thr181Ser; replaces threonine 181 with serine.
Molecular consequence: missense variant.
Genome position (GRCh38, 1-based): chr4:54,263,840, A>T. VCF-style: chr4-54263840-A-T. GRCh37 (hg19) VCF-style: chr4-55130007-A-T.
Other names: c.541A>T, p.Thr181Ser (NM_001347827.2, NM_001347829.2); c.616A>T, p.Thr206Ser (NM_001347828.2); c.541A>T (NM_006206.4); c.580A>T, p.Thr194Ser (NM_001347830.2); short protein forms T181S, T194S, T206S.
Identifiers: ClinVar variation 1002030 (VCV001002030.11), dbSNP rs1722888310, ClinGen allele CA356890047.